The following is an entry in ClinVar:

NM_003068.5(SNAI2):c.109T>G (p.Tyr37Asp)

Gene: SNAI2 (snail family transcriptional repressor 2; minus strand). Cytogenetic location: 8q11.21.
Variant type: single nucleotide variant.
Coding change: c.109T>G on transcript NM_003068.5 (MANE Select); coding-DNA position 109, T replaced by G.
Protein change: p.Tyr37Asp; replaces tyrosine 37 with aspartic acid.
Molecular consequence: missense variant.
Genome position (GRCh38, 1-based): chr8:48,920,412, A>C on the plus strand (T>G on the coding strand, the complement: SNAI2 is on the minus strand). VCF-style: chr8-48920412-A-C. GRCh37 (hg19) VCF-style: chr8-49832971-A-C.
Other names: short protein forms Y37D.
Identifiers: ClinVar variation 2749504 (VCV002749504.3), dbSNP rs2536070952, ClinGen allele CA371184729.

ClinVar aggregate classification (germline): Uncertain significance (1 of 4 stars; one submission).

Submission:

Labcorp Genetics (formerly Invitae), Labcorp
Classification: Uncertain significance. Last evaluated: 2023-08-09. Review status: criteria provided, single submitter. Criteria: Invitae Variant Classification Sherloc (09022015). Collection method: clinical testing. Allele origin: germline.
Comment: This sequence change replaces tyrosine, which is neutral and polar, with aspartic acid, which is acidic and polar, at codon 37 of the SNAI2 protein (p.Tyr37Asp). This variant is not present in population databases (gnomAD no frequency). This variant has not been reported in the literature in individuals affected with SNAI2-related conditions. An algorithm developed to predict the effect of missense changes on protein structure and function (PolyPhen-2) suggests that this variant is likely to be tolerated. In summary, the available evidence is currently insufficient to determine the role of this variant in disease. Therefore, it has been classified as a Variant of Uncertain Significance.